The following is an entry in ClinVar:

NM_002890.3(RASA1):c.3064G>A (p.Val1022Ile)

Genes: CCNH (cyclin H; minus strand), RASA1 (RAS p21 protein activator 1; plus strand). Cytogenetic location: 5q14.3.
Variant type: single nucleotide variant.
Coding change: c.3064G>A on transcript NM_002890.3 (MANE Select); coding-DNA position 3064, G replaced by A.
Protein change: p.Val1022Ile; replaces valine 1022 with isoleucine.
Molecular consequence: missense variant. On other transcripts: 3 prime UTR variant (2), non-coding transcript variant (1), intron variant (1).
Genome position (GRCh38, 1-based): chr5:87,390,803, G>A. VCF-style: chr5-87390803-G-A. GRCh37 (hg19) VCF-style: chr5-86686620-G-A.
Other names: c.2533G>A, p.Val845Ile (NM_022650.3); c.*2057C>T (NM_001363539.2, NM_001364076.2); c.933+4241C>T (NM_001364075.2); short protein forms V1022I, V845I.
Identifiers: ClinVar variation 1370187 (VCV001370187.10), dbSNP rs373643445, ClinGen allele CA3336225.

ClinVar aggregate classification (germline): Uncertain significance. Review status: criteria provided, multiple submitters, no conflicts (2 of 4 stars). 3 submissions from 3 submitters: Uncertain significance (3). Last evaluated 2025-08-03.

Conditions:
Cardiovascular phenotype. Identifiers: MedGen CN230736.
Capillary malformation-arteriovenous malformation syndrome. Also called: Capillary malformation-arteriovenous malformation. Identifiers: Orphanet 137667, MedGen C1842180, MONDO:0012016.

Allele frequency attached by ClinVar (database versions not stated): gnomAD exomes below 0.00001; ExAC 0.00002; gnomAD 0.00001; ESP Exome Variant Server 0.00008.
gnomAD v4.1: 5 of 1,610,342 alleles (0.00031%); highest among the groups gnomAD compares: Non-Finnish European, 0.00034%; no homozygotes.

Submissions (3):

Labcorp Genetics (formerly Invitae), Labcorp
Classification: Uncertain significance for Capillary malformation-arteriovenous malformation syndrome. Last evaluated: 2025-08-03. Review status: criteria provided, single submitter. Criteria: Invitae Variant Classification Sherloc (09022015). Collection method: clinical testing. Allele origin: germline.
Comment: This sequence change replaces valine, which is neutral and non-polar, with isoleucine, which is neutral and non-polar, at codon 1022 of the RASA1 protein (p.Val1022Ile). This variant is present in population databases (rs373643445, gnomAD 0.002%). This variant has not been reported in the literature in individuals affected with RASA1-related conditions. ClinVar contains an entry for this variant (Variation ID: 1370187). An algorithm developed to predict the effect of missense changes on protein structure and function (PolyPhen-2) suggests that this variant is likely to be tolerated. In summary, the available evidence is currently insufficient to determine the role of this variant in disease. Therefore, it has been classified as a Variant of Uncertain Significance.

Women's Health and Genetics/Laboratory Corporation of America, LabCorp
Classification: Uncertain significance. Last evaluated: 2025-02-07. Review status: criteria provided, single submitter. Criteria: LabCorp Variant Classification Summary - May 2015. Collection method: clinical testing. Allele origin: germline.
Comment: Variant summary: RASA1 c.3064G>A (p.Val1022Ile) results in a conservative amino acid change in the encoded protein sequence. Four of five in-silico tools predict a benign effect of the variant on protein function. The variant allele was found at a frequency of 4e-06 in 250728 control chromosomes. The available data on variant occurrences in the general population are insufficient to allow any conclusion about variant significance. To our knowledge, no occurrence of c.3064G>A in individuals affected with Capillary Malformation-Arteriovenous Malformation 1 and no experimental evidence demonstrating its impact on protein function have been reported. ClinVar contains an entry for this variant (Variation ID: 1370187). Based on the evidence outlined above, the variant was classified as uncertain significance.

Ambry Genetics
Classification: Uncertain significance for Cardiovascular phenotype. Last evaluated: 2024-05-02. Review status: criteria provided, single submitter. Criteria: Ambry Variant Classification Scheme 2023. Collection method: clinical testing. Allele origin: germline.
Comment: The p.V1022I variant (also known as c.3064G>A), located in coding exon 25 of the RASA1 gene, results from a G to A substitution at nucleotide position 3064. The valine at codon 1022 is replaced by isoleucine, an amino acid with highly similar properties. This amino acid position is conserved. In addition, this alteration is predicted to be tolerated by in silico analysis. Based on the available evidence, the clinical significance of this variant remains unclear.